The following is an entry in ClinVar:

ClinVar aggregate classification (germline): Pathogenic (1 of 4 stars; one submission).

Conditions:
Maple syrup urine disease type 1A (MSUD1A). Also called: MSUD type 1A. Identifiers: MedGen C1855369, MONDO:0023691, OMIM 248600.

Submission:

Myriad Genetics, Inc.
Classification: Pathogenic for Maple syrup urine disease type 1A. Last evaluated: 2023-08-14. Review status: criteria provided, single submitter. Criteria: Myriad Autosomal Dominant, Autosomal Recessive and X-Linked Classification Criteria (2023). Collection method: clinical testing. Allele origin: unknown.
Comment: NM_000709.3(BCKDHA):c.512delTinsCG(L171Pfs*14) is expected to be pathogenic in the context of maple syrup urine disease type Ia. This variant is predicted to lead to an abnormal or absent protein product due to the creation of a premature termination codon in BCKDHA, a gene where loss-of-function variants are known to be pathogenic. Please note: this variant was assessed in the context of healthy population screening.

NM_000709.4(BCKDHA):c.512delinsCG (p.Leu171fs)

Gene: BCKDHA (branched chain keto acid dehydrogenase E1 subunit alpha; plus strand). Cytogenetic location: 19q13.2.
Variant type: Indel.
Coding change: c.512delinsCG on transcript NM_000709.4 (MANE Select); coding-DNA position 512, T replaced by CG.
Protein change: p.Leu171fs; shifts the reading frame from leucine 171.
Molecular consequence: frameshift variant.
Genome position (GRCh38, 1-based): chr19:41,419,162, T replaced by CG. VCF-style: chr19-41419162-T-CG. GRCh37 (hg19) VCF-style: chr19-41925067-T-CG.
Other names: c.512delinsCG, p.Leu171fs (NM_001164783.2); short protein forms L171fs.
Identifiers: ClinVar variation 5011343 (VCV005011343.1).